The following is an entry in ClinVar:

ClinVar aggregate classification (germline): Likely benign. Review status: criteria provided, multiple submitters, no conflicts (2 of 4 stars). 2 submissions from 2 submitters: Likely benign (2). Last evaluated 2025-02-21.

Conditions:
GFI1B-related disorder. Also called: GFI1B-related condition.

gnomAD v4.1: 25 of 1,611,998 alleles (0.0016%); highest among the groups gnomAD compares: Admixed American, 0.005%; no homozygotes.

Submissions (2):

PreventionGenetics, part of Exact Sciences
Classification: Likely benign for GFI1B-related condition. Last evaluated: 2025-02-21. Review status: criteria provided, single submitter. Criteria: ACMG Guidelines, 2015. Collection method: clinical testing. Allele origin: germline.
Comment: This variant is classified as likely benign based on ACMG/AMP sequence variant interpretation guidelines (Richards et al. 2015 PMID: 25741868, with internal and published modifications).

Blueprint Genetics
Classification: Likely benign. Last evaluated: 2023-04-05. Review status: criteria provided, single submitter. Criteria: ACMG Guidelines, 2015. Collection method: clinical testing. Allele origin: germline.

NM_001377304.1(GFI1B):c.*7G>A

Gene: GFI1B (growth factor independent 1B transcriptional repressor; plus strand). Cytogenetic location: 9q34.13.
Variant type: single nucleotide variant.
Coding change: c.*7G>A on transcript NM_001377304.1 (MANE Select); 7 bases downstream of the stop codon, G replaced by A.
Molecular consequence: 3 prime UTR variant.
Genome position (GRCh38, 1-based): chr9:132,991,057, G>A. VCF-style: chr9-132991057-G-A. GRCh37 (hg19) VCF-style: chr9-135866444-G-A.
Other names: c.*7G>A (NM_004188.6, NM_001377305.1, NM_004188.8 and 2 more transcripts).
Identifiers: ClinVar variation 4905209 (VCV004905209.2).